The following is an entry in ClinVar:

ClinVar aggregate classification (germline): Conflicting classifications of pathogenicity. Review status: criteria provided, conflicting classifications (1 of 4 stars). 3 submissions from 2 submitters: Uncertain significance (1); Likely benign (2). Last evaluated 2025-12-23.

Conditions:
Glucocorticoid-remediable aldosteronism. Also called: Hyperaldosteronism, familial, type I; ACTH-DEPENDENT HYPERALDOSTERONISM SYNDROME; ALDOSTERONISM, SENSITIVE TO DEXAMETHASONE; FH I; GLUCOCORTICOID-SUPPRESSIBLE HYPERALDOSTERONISM. Identifiers: Orphanet 403, MedGen C3838731, MONDO:0007080, OMIM 103900.
Deficiency of steroid 11-beta-monooxygenase (CYP11B1). Also called: ADRENAL HYPERPLASIA, CONGENITAL, DUE TO STEROID 11-BETA-HYDROXYLASE DEFICIENCY; 11-BETA-HYDROXYLASE DEFICIENCY; ADRENAL HYPERPLASIA IV; P450C11B1 DEFICIENCY; STEROID 11-BETA-HYDROXYLASE DEFICIENCY; Congenital adrenal hyperplasia due to 11-beta-hydroxylase deficiency. Identifiers: Orphanet 90795, MedGen C0268292, MONDO:0008729, OMIM 202010. Disease mechanism: loss of function.

Allele frequency attached by ClinVar (database versions not stated): gnomAD 0.00001; gnomAD exomes 0.00002 and 0.00004; TOPMed 0.00003; ExAC 0.00004.
gnomAD v4.1: 42 of 1,613,936 alleles (0.0026%); highest among the groups gnomAD compares: Non-Finnish European, 0.00076%; no homozygotes.

Submissions (3):

Labcorp Genetics (formerly Invitae), Labcorp
Classification: Likely benign. Last evaluated: 2025-12-23. Review status: criteria provided, single submitter. Criteria: Invitae Variant Classification Sherloc (09022015). Collection method: clinical testing. Allele origin: germline.

Illumina Laboratory Services, Illumina
Classification: Uncertain significance for Deficiency of steroid 11-beta-monooxygenase. Last evaluated: 2018-01-12. Review status: criteria provided, single submitter. Criteria: ICSL Variant Classification Criteria 13 December 2019. Collection method: clinical testing. Allele origin: germline.

Illumina Laboratory Services, Illumina
Classification: Likely benign for Glucocorticoid-remediable aldosteronism. Last evaluated: 2018-01-12. Review status: criteria provided, single submitter. Criteria: ICSL Variant Classification Criteria 13 December 2019. Collection method: clinical testing. Allele origin: germline.
Comment: This variant was observed in the ICSL laboratory as part of a predisposition screen in an ostensibly healthy population. It had not been previously curated by ICSL or reported in the Human Gene Mutation Database (HGMD: prior to June 1st, 2018), and was therefore a candidate for classification through an automated scoring system. Utilizing variant allele frequency, disease prevalence and penetrance estimates, and inheritance mode, an automated score was calculated to assess if this variant is too frequent to cause the disease. Based on the score and internal cut-off values, a variant classified as likely benign is not then subjected to further curation. The score for this variant resulted in a classification of likely benign for this disease.

NM_000497.4(CYP11B1):c.1090T>C (p.Leu364=)

Genes: CYP11B1 (cytochrome P450 family 11 subfamily B member 1; minus strand), LOC106799833 (CYP11B1 recombination region; plus strand). Cytogenetic location: 8q24.3.
Variant type: single nucleotide variant.
Coding change: c.1090T>C on transcript NM_000497.4 (MANE Select); coding-DNA position 1090, T replaced by C.
Protein change: p.Leu364=; no amino-acid change (leucine 364 retained).
Molecular consequence: synonymous variant.
Genome position (GRCh38, 1-based): chr8:142,875,743, A>G on the plus strand (T>C on the coding strand, the complement: CYP11B1 is on the minus strand). VCF-style: chr8-142875743-A-G. GRCh37 (hg19) VCF-style: chr8-143957159-A-G.
Other names: c.1090T>C, p.Leu364= (NM_001026213.1).
Identifiers: ClinVar variation 362151 (VCV000362151.14), dbSNP rs754660381, ClinGen allele CA4905159.
Genomic context (GRCh38, chr8:142,875,743, plus strand): 5'-GCCACAGGGAGGCCTCAGCCAGCACCCACCGCAAGGTCTCCTTGAGGGCCGCACGCAGCA[A>G]GGGCAGCTCGGTGGTTGCCTTCTGGGGATGTTCACTGATGCTGGCTGCGGCGGCCAGGCT-3'
Protein context (NP_000488.3, residues 354-374): HPQKATTELP[Leu364=]LRAALKETLR